The following is an entry in ClinVar:

NC_012920.1(MT-CO1):m.5910G>A

Gene: MT-CO1 (mitochondrially encoded cytochrome c oxidase I; plus strand).
Variant type: single nucleotide variant.
Genome position: chrM-5910-G-A.
Identifiers: ClinVar variation 692599 (VCV000692599.1), dbSNP rs1603220177, ClinGen allele CA414780764.

ClinVar aggregate classification (germline): Benign (1 of 4 stars; one submission).

Conditions:
Leigh syndrome (NULS). Also called: Leigh's necrotizing encephalopathy; Leigh's disease; Leigh Syndrome (mtDNA deletion); Leigh Disease; Subacute necrotizing encephalopathy; Necrotizing encephalopathy infantile subacute of Leigh. Identifiers: Orphanet 506, MedGen C2931891, MONDO:0009723, OMIM 256000.

Submission:

Wong Mito Lab, Molecular and Human Genetics, Baylor College of Medicine
Classification: Benign for Leigh syndrome. Last evaluated: 2019-10-17. Review status: criteria provided, single submitter. Criteria: Modified ACMG Guidelines (Unpublished). Collection method: clinical testing. Allele origin: germline.
Comment: The NC_012920.1:m.5910G>A (YP_003024028.1:p.Ala3Thr) variant in MTCO1 gene is interpretated to be a Benign variant based on the modified ACMG guidelines (unpublished). This variant meets the following evidence codes: BS1, BS2